The following is an entry in ClinVar:

NM_020223.4(FAM20C):c.1506-226TCTG[2]

Gene: FAM20C (FAM20C golgi associated secretory pathway kinase; plus strand). Cytogenetic location: 7p22.3.
Variant type: Microsatellite.
Coding change: c.1506-226TCTG[2] on transcript NM_020223.4 (MANE Select); two copies in a row of the 4-base unit TCTG starting at c.1506-226.
Molecular consequence: intron variant.
Genome position: GRCh38 VCF-style: chr7-259504-TTCTG-T. GRCh37 (hg19) VCF-style: chr7-299470-TTCTG-T.
Identifiers: ClinVar variation 1706850 (VCV001706850.2), dbSNP rs368898404, ClinGen allele CA152288274.

ClinVar aggregate classification (germline): Likely benign (1 of 4 stars; one submission).

Submission:

GeneDx
Classification: Likely benign. Last evaluated: 2021-05-25. Review status: criteria provided, single submitter. Criteria: GeneDx Variant Classification Process June 2021. Collection method: clinical testing. Allele origin: germline. Affected: yes.
Comment: See Variant Classification Assertion Criteria.